The following is an entry in ClinVar:

ClinVar aggregate classification (germline): Uncertain significance (1 of 4 stars; one submission).

Submission:

GeneDx
Classification: Uncertain significance. Last evaluated: 2022-09-02. Review status: criteria provided, single submitter. Criteria: GeneDx Variant Classification Process June 2021. Collection method: clinical testing. Allele origin: germline. Affected: yes.
Comment: Not observed at significant frequency in large population cohorts (gnomAD); In silico analysis supports that this missense variant does not alter protein structure/function; Has not been previously published as pathogenic or benign to our knowledge

NM_021830.5(TWNK):c.752C>T (p.Pro251Leu)

Gene: TWNK (twinkle mtDNA helicase; plus strand). Cytogenetic location: 10q24.31.
Variant type: single nucleotide variant.
Coding change: c.752C>T on transcript NM_021830.5 (MANE Select); coding-DNA position 752, C replaced by T.
Protein change: p.Pro251Leu; replaces proline 251 with leucine.
Molecular consequence: missense variant. On other transcripts: non-coding transcript variant (4), intron variant (3).
Genome position (GRCh38, 1-based): chr10:100,988,962, C>T. VCF-style: chr10-100988962-C-T. GRCh37 (hg19) VCF-style: chr10-102748719-C-T.
Other names: c.752C>T, p.Pro251Leu (NM_001163812.2); c.-119-682C>T (NM_001163814.2, NM_001163813.2); c.-57-744C>T (NM_001368275.1); short protein forms P251L.
Identifiers: ClinVar variation 2442593 (VCV002442593.1), dbSNP rs2493630767, ClinGen allele CA378208363.